The following is an entry in ClinVar:

NM_000143.4(FH):c.731T>G (p.Leu244Arg)

Gene: FH (fumarate hydratase; minus strand). Cytogenetic location: 1q43.
Variant type: single nucleotide variant.
Coding change: c.731T>G on transcript NM_000143.4 (MANE Select); coding-DNA position 731, T replaced by G.
Protein change: p.Leu244Arg; replaces leucine 244 with arginine.
Molecular consequence: missense variant.
Genome position (GRCh38, 1-based): chr1:241,508,610, A>C on the plus strand (T>G on the coding strand, the complement: FH is on the minus strand). VCF-style: chr1-241508610-A-C. GRCh37 (hg19) VCF-style: chr1-241671910-A-C.
Other names: short protein forms L244R.
Identifiers: ClinVar variation 393571 (VCV000393571.7), dbSNP rs1060499636, ClinGen allele CA16609370.

ClinVar aggregate classification (germline): Likely pathogenic. Review status: criteria provided, multiple submitters, no conflicts (2 of 4 stars). 3 submissions from 3 submitters: Likely pathogenic (3). Last evaluated 2026-03-27.

Conditions:
Hereditary leiomyomatosis and renal cell cancer. Also called: LEIOMYOMA, MULTIPLE CUTANEOUS; MULTIPLE CUTANEOUS AND UTERINE LEIOMYOMATA 1, WITH OR WITHOUT RENAL CELL CARCINOMA; Reed syndrome; Multiple cutaneous and uterine leiomyomatosis; Cutaneous leiomyomata with uterine leiomyomata; Leiomyoma, hereditary multiple, of skin. Identifiers: Orphanet 523, MedGen C1708350, MONDO:0007888, OMIM 150800, HP:0007437. Disease mechanism: loss of function.
Hereditary cancer-predisposing syndrome. Also called: Neoplastic Syndromes, Hereditary; Hereditary Cancer Syndrome; Hereditary neoplastic syndrome; Tumor predisposition. Identifiers: Orphanet 140162, MedGen C0027672, MeSH D009386, MONDO:0015356.

Submissions (3):

Ambry Genetics
Classification: Likely pathogenic for Hereditary cancer-predisposing syndrome. Last evaluated: 2026-03-27. Review status: criteria provided, single submitter. Criteria: Ambry Variant Classification Scheme 2023. Collection method: clinical testing. Allele origin: germline.
Comment: The p.L244R variant (also known as c.731T>G), located in coding exon 5 of the FH gene, results from a T to G substitution at nucleotide position 731. The leucine at codon 244 is replaced by arginine, an amino acid with dissimilar properties. This variant was reported in individuals with features consistent with hereditary leiomyomatosis and renal cell cancer syndrome (Ambry internal data; External communication). This amino acid position is highly conserved in available vertebrate species. In addition, this alteration is predicted to be deleterious by in silico analysis. This variant is considered to be rare based on population cohorts in the Genome Aggregation Database (gnomAD). Based on the majority of available evidence to date, this variant is likely to be pathogenic.

Labcorp Genetics (formerly Invitae), Labcorp
Classification: Likely pathogenic. Last evaluated: 2023-09-21. Review status: criteria provided, single submitter. Criteria: Invitae Variant Classification Sherloc (09022015). Collection method: clinical testing. Allele origin: germline.
Comment: This sequence change replaces leucine, which is neutral and non-polar, with arginine, which is basic and polar, at codon 244 of the FH protein (p.Leu244Arg). This variant is not present in population databases (gnomAD no frequency). This missense change has been observed in individual(s) with hereditary leiomyomatosis and renal cell carcinoma (PMID: 22982371; Invitae). This variant is also known as c.602T>G (p.Leu201Arg). ClinVar contains an entry for this variant (Variation ID: 393571). Advanced modeling of protein sequence and biophysical properties (such as structural, functional, and spatial information, amino acid conservation, physicochemical variation, residue mobility, and thermodynamic stability) performed at Invitae indicates that this missense variant is expected to disrupt FH protein function. In summary, the currently available evidence indicates that the variant is pathogenic, but additional data are needed to prove that conclusively. Therefore, this variant has been classified as Likely Pathogenic.

Genomic Diagnostic Laboratory, Division of Genomic Diagnostics, Children's Hospital of Philadelphia
Classification: Likely pathogenic for Hereditary leiomyomatosis and renal cell cancer. Last evaluated: 2017-01-17. Review status: criteria provided, single submitter. Criteria: DGD Variant Analysis Guidelines. Collection method: clinical testing. Allele origin: germline. Affected: yes. Observed: 2 variant alleles.
Comment: Clinical Testing

Literature cited by the submitters: PubMed 22982371 (cited by Labcorp Genetics (formerly Invitae), Labcorp).